The following is an entry in ClinVar:

ClinVar aggregate classification (germline): Benign/Likely benign. Review status: criteria provided, multiple submitters, no conflicts (2 of 4 stars). 5 submissions from 5 submitters: Benign (1); Likely benign (4). Last evaluated 2025-07-01.

Conditions:
Inborn genetic diseases. Identifiers: MedGen C0950123, MeSH D030342.

Allele frequency attached by ClinVar (database versions not stated): TOPMed 0.00006; 1000 Genomes Project 30x 0.00031; 1000 Genomes Project 0.00040; gnomAD 0.00064.
gnomAD v4.1: 132 of 1,539,886 alleles (0.0086%); highest among the groups gnomAD compares: Middle Eastern, 0.021%; no homozygotes.

Submissions (5):

CeGaT Center for Human Genetics Tuebingen
Classification: Likely benign. Last evaluated: 2025-07-01. Review status: criteria provided, single submitter. Criteria: CeGaT Center For Human Genetics Tuebingen Variant Classification Criteria Version 2. Collection method: clinical testing. Allele origin: germline. Affected: yes. Observed: 3 variant alleles.
Comment: KCNC3: PP3, BS2

Laboratory of Genetics, Children's Clinical University Hospital Latvia
Classification: Likely benign. Last evaluated: 2025-02-16. Review status: criteria provided, single submitter. Criteria: ACMG Guidelines, 2015. Collection method: clinical testing. Allele origin: germline. Affected: yes.

Labcorp Genetics (formerly Invitae), Labcorp
Classification: Likely benign. Last evaluated: 2024-07-17. Review status: criteria provided, single submitter. Criteria: Invitae Variant Classification Sherloc (09022015). Collection method: clinical testing. Allele origin: germline.

Ambry Genetics
Classification: Likely benign for Inborn genetic diseases. Last evaluated: 2023-09-25. Review status: criteria provided, single submitter. Criteria: Ambry Variant Classification Scheme 2023. Collection method: clinical testing. Allele origin: germline.

Athena Diagnostics
Classification: Benign. Last evaluated: 2018-11-06. Review status: criteria provided, single submitter. Criteria: Athena Diagnostics Criteria. Collection method: clinical testing. Allele origin: germline.

NM_004977.3(KCNC3):c.1875G>T (p.Arg625Ser)

Gene: KCNC3 (potassium voltage-gated channel subfamily C member 3; minus strand). Cytogenetic location: 19q13.33.
Variant type: single nucleotide variant.
Coding change: c.1875G>T on transcript NM_004977.3 (MANE Select); coding-DNA position 1875, G replaced by T.
Protein change: p.Arg625Ser; replaces arginine 625 with serine.
Molecular consequence: missense variant.
Genome position (GRCh38, 1-based): chr19:50,323,078, C>A on the plus strand (G>T on the coding strand, the complement: KCNC3 is on the minus strand). VCF-style: chr19-50323078-C-A. GRCh37 (hg19) VCF-style: chr19-50826335-C-A.
Other names: c.1647G>T, p.Arg549Ser (NM_001372305.1); short protein forms R549S, R625S.
Identifiers: ClinVar variation 804962 (VCV000804962.34), dbSNP rs537912602, ClinGen allele CA309572568.